The following is an entry in ClinVar:

ClinVar aggregate classification (germline): Uncertain significance. Review status: criteria provided, multiple submitters, no conflicts (2 of 4 stars). 6 submissions from 6 submitters: Uncertain significance (6). Last evaluated 2024-10-09.

Conditions:
Arrhythmogenic right ventricular cardiomyopathy (ARVD). Also called: Arrhythmogenic cardiomyopathy; Arrhythmogenic Right Ventricular Cardiomyopathy (ARVC); Cardiomyopathy, ARVC; Arrhythmogenic right ventricular dysplasia. Identifiers: Orphanet 247, MedGen C0349788, MeSH D019571, MONDO:0016587. Disease mechanism: loss of function. Inheritance: Various modes of inheritance.
Arrhythmogenic right ventricular dysplasia 9 (ARVD9). Also called: Arrhythmogenic Right Ventricular Dysplasia/Cardiomyopathy 9; ARRHYTHMOGENIC RIGHT VENTRICULAR DYSPLASIA, FAMILIAL, 9. Identifiers: MedGen C1836906, MONDO:0012180, OMIM 609040.
Cardiomyopathy (CMYO). Also called: Cardiomyopathies. Identifiers: Orphanet 167848, MedGen C0878544, MONDO:0004994, HP:0001638. Inheritance: Various modes of inheritance.

Allele frequency attached by ClinVar (database versions not stated): gnomAD exomes below 0.00001 and 0.00001; gnomAD 0.00001.

Submissions (6):

Blueprint Genetics
Classification: Uncertain significance. Last evaluated: 2024-10-09. Review status: criteria provided, single submitter. Criteria: ACMG Guidelines, 2015. Collection method: clinical testing. Allele origin: germline.

Color Diagnostics, LLC DBA Color Health
Classification: Uncertain significance for Cardiomyopathy. Last evaluated: 2024-03-06. Review status: criteria provided, single submitter. Criteria: ACMG Guidelines, 2015. Collection method: clinical testing. Allele origin: germline.
Comment: This missense variant replaces cysteine with tyrosine at codon 479 of the PKP2 protein. Computational prediction suggests that this variant may not impact protein structure and function (internally defined REVEL score threshold <= 0.5, PMID: 27666373). To our knowledge, functional studies have not been reported for this variant. This variant has not been reported in individuals affected with PKP2-related disorders in the literature. This variant has been identified in 2/272886 chromosomes in the general population by the Genome Aggregation Database (gnomAD). The available evidence is insufficient to determine the role of this variant in disease conclusively. Therefore, this variant is classified as a Variant of Uncertain Significance.

Mayo Clinic Laboratories, Mayo Clinic
Classification: Uncertain significance. Last evaluated: 2023-12-12. Review status: criteria provided, single submitter. Criteria: ACMG Guidelines, 2015. Collection method: clinical testing. Allele origin: germline. Observed: 1 variant allele.

Labcorp Genetics (formerly Invitae), Labcorp
Classification: Uncertain significance for Arrhythmogenic right ventricular dysplasia 9. Last evaluated: 2023-10-22. Review status: criteria provided, single submitter. Criteria: Invitae Variant Classification Sherloc (09022015). Collection method: clinical testing. Allele origin: germline.
Comment: This sequence change replaces cysteine, which is neutral and slightly polar, with tyrosine, which is neutral and polar, at codon 479 of the PKP2 protein (p.Cys479Tyr). The frequency data for this variant in the population databases is considered unreliable, as metrics indicate poor data quality at this position in the gnomAD database. This variant has not been reported in the literature in individuals affected with PKP2-related conditions. ClinVar contains an entry for this variant (Variation ID: 626802). An algorithm developed to predict the effect of missense changes on protein structure and function (PolyPhen-2) suggests that this variant¬†is likely to be tolerated. In summary, the available evidence is currently insufficient to determine the role of this variant in disease. Therefore, it has been classified as a Variant of Uncertain Significance.

All of Us Research Program, National Institutes of Health
Classification: Uncertain significance for Arrhythmogenic right ventricular cardiomyopathy. Last evaluated: 2023-09-04. Review status: criteria provided, single submitter. Criteria: ACMG Guidelines, 2015. Collection method: clinical testing. Allele origin: germline. Inheritance: Autosomal dominant inheritance. Observed: 4 variant alleles, 4 heterozygotes.
Comment: This missense variant replaces cysteine with tyrosine at codon 479 of the PKP2 protein. Computational prediction suggests that this variant may not impact protein structure and function (internally defined REVEL score threshold <= 0.5, PMID: 27666373). Splice site prediction tools suggest that this variant may not impact RNA splicing. To our knowledge, functional studies have not been performed for this variant. This variant has not been reported in individuals affected with cardiovascular disorders in the literature. This variant has been identified in 2/272886 chromosomes in the general population by the Genome Aggregation Database (gnomAD). The available evidence is insufficient to determine the role of this variant in disease conclusively. Therefore, this variant is classified as a Variant of Uncertain Significance.

This study involves interpretation of variants in research participants for the purpose of population health screening. Participant phenotype was not available at the time of variant classification. Additional details can be found in publication PMID: 35346344, PMCID: PMC8962531

CHEO Genetics Diagnostic Laboratory, Children's Hospital of Eastern Ontario
Classification: Uncertain significance for Cardiomyopathy. Last evaluated: 2017-01-19. Review status: criteria provided, single submitter. Criteria: ACMG Guidelines, 2015. Collection method: clinical testing. Allele origin: germline. Study: Canadian Open Genetics Repository.

NM_001005242.3(PKP2):c.1379-2051G>A

Gene: PKP2 (plakophilin 2; minus strand). Cytogenetic location: 12p11.21.
Variant type: single nucleotide variant.
Coding change: c.1379-2051G>A on transcript NM_001005242.3 (MANE Select); 2051 bases into the intron before coding-DNA position 1379, G replaced by A.
Molecular consequence: intron variant. On other transcripts: missense variant (1).
Genome position (GRCh38, 1-based): chr12:32,843,256, C>T on the plus strand (G>A on the coding strand, the complement: PKP2 is on the minus strand). VCF-style: chr12-32843256-C-T. GRCh37 (hg19) VCF-style: chr12-32996190-C-T.
Other names: p.Cys479Tyr; c.1436G>A, p.Cys479Tyr (NM_004572.4); short protein forms C479Y.
Identifiers: ClinVar variation 626802 (VCV000626802.12), dbSNP rs1408803372, ClinGen allele CA384368693.